The following is an entry in ClinVar:

ClinVar aggregate classification (germline): Pathogenic. Review status: criteria provided, multiple submitters, no conflicts (2 of 4 stars). 3 submissions from 3 submitters: Pathogenic (2). 1 of the submissions does not count toward it. Last evaluated 2024-05-19.

Conditions:
PIK3R1-related disorder. Also called: PIK3R1-related condition.
Immunodeficiency 36 with lymphoproliferation. Also called: ACTIVATED PI3K-DELTA SYNDROME 2; Activated PI3K Delta Syndrome Type 2 (APDS2); Immunodeficiency 36. Identifiers: Orphanet 397596, Orphanet 693681, MedGen C4014934, MONDO:0014453, OMIM 616005.
Agammaglobulinemia 7, autosomal recessive (AGM7). Also called: AGAMMAGLOBULINEMIA, AUTOSOMAL RECESSIVE, DUE TO PIK3R1 DEFECT. Identifiers: MedGen C3554689, MONDO:0014083, OMIM 615214.
SHORT syndrome. Also called: SHORT STATURE, HYPEREXTENSIBILITY, HERNIA, OCULAR DEPRESSION, RIEGER ANOMALY, AND TEETHING DELAY; PIK3R1-Related SHORT Syndrome; LIPODYSTROPHY, PARTIAL, WITH RIEGER ANOMALY AND SHORT STATURE. Identifiers: Orphanet 3163, MedGen C0878684, MONDO:0010026, OMIM 269880.

Allele frequency attached by ClinVar (database versions not stated): gnomAD exomes below 0.00001; gnomAD 0.00001; TOPMed 0.00001; ExAC 0.00002; ESP Exome Variant Server 0.00008.
gnomAD v4.1: 5 of 1,601,978 alleles (0.00031%); highest among the groups gnomAD compares: Non-Finnish European, 0.00043%; no homozygotes.

Submissions (3):

Labcorp Genetics (formerly Invitae), Labcorp
Classification: Pathogenic for SHORT syndrome; Immunodeficiency 36 with lymphoproliferation; Agammaglobulinemia 7, autosomal recessive. Last evaluated: 2024-05-19. Review status: criteria provided, single submitter. Criteria: Invitae Variant Classification Sherloc (09022015). Collection method: clinical testing. Allele origin: germline.
Comment: This sequence change creates a premature translational stop signal (p.Arg301*) in the PIK3R1 gene. It is expected to result in an absent or disrupted protein product. Loss-of-function variants in PIK3R1 are known to be pathogenic (PMID: 22351933, 25133428). This variant is present in population databases (rs367669362, gnomAD 0.002%). This premature translational stop signal has been observed in individual(s) with autosomal recessive agammaglobulinemia (PMID: 29178053). ClinVar contains an entry for this variant (Variation ID: 1072261). For these reasons, this variant has been classified as Pathogenic.

PreventionGenetics, part of Exact Sciences
Classification: Pathogenic for PIK3R1-related condition. Last evaluated: 2023-07-18. Review status: criteria provided, single submitter. Criteria: ACMG Guidelines, 2015. Collection method: clinical testing. Allele origin: germline.
Comment: The PIK3R1 c.901C>T variant is predicted to result in premature protein termination (p.Arg301*). This variant is reported in 0.00089% of alleles in individuals of European (Non-Finnish) descent in gnomAD. Nonsense variants in PIK3R1 are expected to be pathogenic. This variant is interpreted as pathogenic.

OMIM
Classification: Pathogenic for AGAMMAGLOBULINEMIA 7, AUTOSOMAL RECESSIVE. Last evaluated: 2025-06-24. Review status: no assertion criteria provided. Collection method: literature only. Allele origin: germline. Not counted in ClinVar's aggregate classification.

Literature cited by the submitters: PubMed 22351933 (cited by Labcorp Genetics (formerly Invitae), Labcorp); PubMed 25133428 (cited by Labcorp Genetics (formerly Invitae), Labcorp); PubMed 29178053 (cited by Labcorp Genetics (formerly Invitae), Labcorp and OMIM).

NM_181523.3(PIK3R1):c.901C>T (p.Arg301Ter)

Gene: PIK3R1 (phosphoinositide-3-kinase regulatory subunit 1; plus strand). Cytogenetic location: 5q13.1.
Variant type: single nucleotide variant.
Coding change: c.901C>T on transcript NM_181523.3 (MANE Select); coding-DNA position 901, C replaced by T.
Protein change: p.Arg301Ter; replaces arginine 301 with a stop codon.
Molecular consequence: nonsense.
Genome position (GRCh38, 1-based): chr5:68,280,991, C>T. VCF-style: chr5-68280991-C-T. GRCh37 (hg19) VCF-style: chr5-67576819-C-T.
Other names: c.901C>T (NM_181523.2); short protein forms R301*.
Identifiers: ClinVar variation 1072261 (VCV001072261.11), dbSNP rs367669362, ClinGen allele CA3290163.